The following is an entry in ClinVar:

NM_017654.4(SAMD9):c.4618T>C (p.Tyr1540His)

Gene: SAMD9 (sterile alpha motif domain containing 9; minus strand). Cytogenetic location: 7q21.2.
Variant type: single nucleotide variant.
Coding change: c.4618T>C on transcript NM_017654.4 (MANE Select); coding-DNA position 4618, T replaced by C.
Protein change: p.Tyr1540His; replaces tyrosine 1540 with histidine.
Molecular consequence: missense variant.
Genome position (GRCh38, 1-based): chr7:93,101,480, A>G on the plus strand (T>C on the coding strand, the complement: SAMD9 is on the minus strand). VCF-style: chr7-93101480-A-G. GRCh37 (hg19) VCF-style: chr7-92730793-A-G.
Other names: c.4618T>C, p.Tyr1540His (NM_001193307.2); short protein forms Y1540H.
Identifiers: ClinVar variation 3792067 (VCV003792067.1).

ClinVar aggregate classification (germline): Uncertain significance (1 of 4 stars; one submission).

Conditions:
Inborn genetic diseases. Identifiers: MedGen C0950123, MeSH D030342.

gnomAD v4.1: 3 of 1,613,846 alleles (0.00019%); highest among the groups gnomAD compares: African/African-American, 0.004%; no homozygotes.

Submission:

Ambry Genetics
Classification: Uncertain significance for Inborn genetic diseases. Last evaluated: 2025-02-08. Review status: criteria provided, single submitter. Criteria: Ambry Variant Classification Scheme 2023. Collection method: clinical testing. Allele origin: germline.
Comment: The p.Y1540H variant (also known as c.4618T>C), located in coding exon 1 of the SAMD9 gene, results from a T to C substitution at nucleotide position 4618. The tyrosine at codon 1540 is replaced by histidine, an amino acid with similar properties. This amino acid position is conserved. In addition, this alteration is predicted to be tolerated by in silico analysis. Based on the available evidence, the clinical significance of this variant remains unclear.